The following is an entry in ClinVar:

NM_016507.4(CDK12):c.643A>G (p.Ser215Gly)

Genes: CDK12 (cyclin dependent kinase 12; plus strand), LOC126862553 (CDK7 strongly-dependent group 2 enhancer GRCh37_chr17:37618166-37619365; plus strand). Cytogenetic location: 17q12.
Variant type: single nucleotide variant.
Coding change: c.643A>G on transcript NM_016507.4 (MANE Select); coding-DNA position 643, A replaced by G.
Protein change: p.Ser215Gly; replaces serine 215 with glycine.
Molecular consequence: missense variant.
Genome position (GRCh38, 1-based): chr17:39,462,714, A>G. VCF-style: chr17-39462714-A-G. GRCh37 (hg19) VCF-style: chr17-37618967-A-G.
Other names: c.643A>G, p.Ser215Gly (NM_015083.4); short protein forms S215G.
Identifiers: ClinVar variation 4224199 (VCV004224199.1).
Genomic context (GRCh38, chr17:39,462,714, plus strand): 5'-AAAGACCGGAGTAAAAGTCATCGAAAAAGGGAAACACCCAAAAGTTACAAAACAGTGGAC[A>G]GCCCAAAACGGAGATCCAGGAGCCCCCACAGGAAGTGGTCTGACAGCTCCAAACAAGATG-3'
Protein context (NP_057591.2, residues 205-225): ETPKSYKTVD[Ser215Gly]PKRRSRSPHR

ClinVar aggregate classification (germline): Uncertain significance (1 of 4 stars; one submission).

Submission:

Ambry Genetics
Classification: Uncertain significance. Last evaluated: 2025-06-21. Review status: criteria provided, single submitter. Criteria: Ambry Variant Classification Scheme 2023. Collection method: clinical testing. Allele origin: germline.
Comment: The p.S215G variant (also known as c.643A>G), located in coding exon 1 of the CDK12 gene, results from an A to G substitution at nucleotide position 643. The serine at codon 215 is replaced by glycine, an amino acid with similar properties. This amino acid position is conserved. In addition, this alteration is predicted to be tolerated by in silico analysis. Based on the available evidence, the clinical significance of this variant remains unclear.